The following is an entry in ClinVar:

ClinVar aggregate classification (germline): Uncertain significance (1 of 4 stars; one submission).

Submission:

GeneDx
Classification: Uncertain significance. Last evaluated: 2025-02-05. Review status: criteria provided, single submitter. Criteria: GeneDx Variant Classification Process June 2021. Collection method: clinical testing. Allele origin: germline. Affected: yes.
Comment: Not observed at significant frequency in large population cohorts (gnomAD); In silico analysis supports that this missense variant has a deleterious effect on protein structure/function; Has not been previously published as pathogenic or benign to our knowledge

NM_181303.2(NLGN3):c.445C>T (p.Pro149Ser)

Gene: NLGN3 (neuroligin 3; plus strand). Cytogenetic location: Xq13.1.
Variant type: single nucleotide variant.
Coding change: c.445C>T on transcript NM_181303.2 (MANE Select); coding-DNA position 445, C replaced by T.
Protein change: p.Pro149Ser; replaces proline 149 with serine.
Molecular consequence: missense variant.
Genome position (GRCh38, 1-based): chrX:71,148,194, C>T. VCF-style: chrX-71148194-C-T. GRCh37 (hg19) VCF-style: chrX-70368044-C-T.
Other names: c.445C>T, p.Pro149Ser (NM_001166660.2, NM_018977.4); c.94C>T, p.Pro32Ser (NM_001321276.2, NM_001437941.1, NM_001438296.1 and 1 more transcripts); short protein forms P149S, P32S.
Identifiers: ClinVar variation 4074609 (VCV004074609.1).